The following is an entry in ClinVar:

NM_005045.4(RELN):c.4955A>C (p.Glu1652Ala)

Gene: RELN (reelin; minus strand). Cytogenetic location: 7q22.1.
Variant type: single nucleotide variant.
Coding change: c.4955A>C on transcript NM_005045.4 (MANE Select); coding-DNA position 4955, A replaced by C.
Protein change: p.Glu1652Ala; replaces glutamic acid 1652 with alanine.
Molecular consequence: missense variant.
Genome position (GRCh38, 1-based): chr7:103,565,533, T>G on the plus strand (A>C on the coding strand, the complement: RELN is on the minus strand). VCF-style: chr7-103565533-T-G. GRCh37 (hg19) VCF-style: chr7-103205980-T-G.
Other names: c.4955A>C, p.Glu1652Ala (NM_173054.3); short protein forms E1652A.
Identifiers: ClinVar variation 2071227 (VCV002071227.4), dbSNP rs2484741556, ClinGen allele CA368746806.
Genomic context (GRCh38, chr7:103,565,533, plus strand): 5'-CAGCCCATGCTCATTTCAAACTGCAAAAAGGTAGATGCTGACACATGAAAATCCCAGGTC[T>G]CAGCATAACGAGGTTTTCCTGAAAAAAAAAAATGTGTAATGGTAGCATATATGTGTGCCA-3'
Protein context (NP_005036.2, residues 1642-1662): TENIGKPRYA[Glu1652Ala]TWDFHVSAST

ClinVar aggregate classification (germline): Uncertain significance (1 of 4 stars; one submission).

Conditions:
Norman-Roberts syndrome (LIS2). Also called: Lissencephaly 2 (Norman-Roberts type). Identifiers: Orphanet 89844, MedGen C0796089, MONDO:0009760, OMIM 257320.
Familial temporal lobe epilepsy 7. Identifiers: Orphanet 101046, MedGen C4225327, MONDO:0014639, OMIM 616436.

Allele frequency attached by ClinVar (database versions not stated): gnomAD exomes below 0.00001.
gnomAD v4.1: 1 of 1,611,720 alleles (0.000062%); highest among the groups gnomAD compares: Non-Finnish European, 0.000085%; no homozygotes.

Submission:

Labcorp Genetics (formerly Invitae), Labcorp
Classification: Uncertain significance for Familial temporal lobe epilepsy 7; Norman-Roberts syndrome. Last evaluated: 2022-07-17. Review status: criteria provided, single submitter. Criteria: Invitae Variant Classification Sherloc (09022015). Collection method: clinical testing. Allele origin: germline.
Comment: In summary, the available evidence is currently insufficient to determine the role of this variant in disease. Therefore, it has been classified as a Variant of Uncertain Significance. Algorithms developed to predict the effect of missense changes on protein structure and function are either unavailable or do not agree on the potential impact of this missense change (SIFT: "Deleterious"; PolyPhen-2: "Probably Damaging"; Align-GVGD: "Class C0"). This variant has not been reported in the literature in individuals affected with RELN-related conditions. This variant is not present in population databases (gnomAD no frequency). This sequence change replaces glutamic acid, which is acidic and polar, with alanine, which is neutral and non-polar, at codon 1652 of the RELN protein (p.Glu1652Ala).